The following is an entry in ClinVar:

ClinVar aggregate classification (germline): Uncertain significance (1 of 4 stars; one submission).

gnomAD v4.1: 67 of 1,614,068 alleles (0.0042%); highest among the groups gnomAD compares: Non-Finnish European, 0.0034%; no homozygotes.

Submission:

Labcorp Genetics (formerly Invitae), Labcorp
Classification: Uncertain significance. Last evaluated: 2025-08-04. Review status: criteria provided, single submitter. Criteria: Invitae Variant Classification Sherloc (09022015). Collection method: clinical testing. Allele origin: germline.
Comment: This sequence change replaces threonine, which is neutral and polar, with lysine, which is basic and polar, at codon 1218 of the CENPJ protein (p.Thr1218Lys). This variant is present in population databases (rs149855336, gnomAD 0.03%). This variant has not been reported in the literature in individuals affected with CENPJ-related conditions. ClinVar contains an entry for this variant (Variation ID: 1913385). Invitae Evidence Modeling of protein sequence and biophysical properties (such as structural, functional, and spatial information, amino acid conservation, physicochemical variation, residue mobility, and thermodynamic stability) indicates that this missense variant is expected to disrupt CENPJ protein function with a positive predictive value of 80%. In summary, the available evidence is currently insufficient to determine the role of this variant in disease. Therefore, it has been classified as a Variant of Uncertain Significance.

NM_018451.5(CPAP):c.3653C>A (p.Thr1218Lys)

Genes: CPAP (centrosome assembly and centriole elongation protein; minus strand), RNF17 (ring finger protein 17; plus strand). Cytogenetic location: 13q12.12.
Variant type: single nucleotide variant.
Coding change: c.3653C>A on transcript NM_018451.5 (MANE Select); coding-DNA position 3653, C replaced by A.
Protein change: p.Thr1218Lys; replaces threonine 1218 with lysine.
Molecular consequence: missense variant. On other transcripts: non-coding transcript variant (2).
Genome position (GRCh38, 1-based): chr13:24,884,211, G>T on the plus strand (C>A on the coding strand, the complement: CPAP is on the minus strand). VCF-style: chr13-24884211-G-T. GRCh37 (hg19) VCF-style: chr13-25458349-G-T.
Other names: short protein forms T1218K.
Identifiers: ClinVar variation 1913385 (VCV001913385.3), dbSNP rs149855336, ClinGen allele CA6919199.